The following is an entry in ClinVar:

NM_020631.6(PLEKHG5):c.2164G>A (p.Glu722Lys)

Gene: PLEKHG5 (pleckstrin homology and RhoGEF domain containing G5; minus strand). Cytogenetic location: 1p36.31.
Variant type: single nucleotide variant.
Coding change: c.2164G>A on transcript NM_020631.6 (MANE Select); coding-DNA position 2164, G replaced by A.
Protein change: p.Glu722Lys; replaces glutamic acid 722 with lysine.
Molecular consequence: missense variant.
Genome position (GRCh38, 1-based): chr1:6,469,127, C>T on the plus strand (G>A on the coding strand, the complement: PLEKHG5 is on the minus strand). VCF-style: chr1-6469127-C-T. GRCh37 (hg19) VCF-style: chr1-6529187-C-T.
Other names: p.Glu722Lys; c.2275G>A, p.Glu759Lys (NM_001042663.3, NM_001265592.2); c.2164G>A, p.Glu722Lys (NM_001042664.2, NM_001042665.2, NM_001265594.3 and 1 more transcripts); c.2371G>A, p.Glu791Lys (NM_001265593.2); c.2164G>A (NM_020631.5); short protein forms E722K, E791K, E759K.
Identifiers: ClinVar variation 297951 (VCV000297951.18), dbSNP rs201551894, ClinGen allele CA561232.

ClinVar aggregate classification (germline): Likely benign. Review status: criteria provided, multiple submitters, no conflicts (2 of 4 stars). 6 submissions from 6 submitters: Likely benign (6). Last evaluated 2026-02-18.

Conditions:
Neuronopathy, distal hereditary motor, autosomal recessive 4. Also called: NEUROPATHY, DISTAL HEREDITARY MOTOR, AUTOSOMAL RECESSIVE 4; Autosomal recessive lower motor neuron disease with childhood onset. Identifiers: Orphanet 206580, MedGen C1970211, MONDO:0012608, OMIM 611067.
PLEKHG5-related disorder. Also called: PLEKHG5-related condition.
Charcot-Marie-Tooth disease recessive intermediate C. Also called: CHARCOT-MARIE-TOOTH NEUROPATHY, RECESSIVE INTERMEDIATE C. Identifiers: Orphanet 369867, MedGen C3809309, MONDO:0014154, OMIM 615376.

Allele frequency attached by ClinVar (database versions not stated): ESP Exome Variant Server 0.00008; gnomAD exomes 0.00008 and 0.00038; TOPMed 0.00010; gnomAD 0.00011 and 0.00017; ExAC 0.00042; 1000 Genomes Project 0.00160.
gnomAD v4.1: 145 of 1,470,802 alleles (0.0099%); highest among the groups gnomAD compares: East Asian, 0.24%; no homozygotes.

Submissions (6):

PreventionGenetics, part of Exact Sciences
Classification: Likely benign for PLEKHG5-related condition. Last evaluated: 2026-02-18. Review status: criteria provided, single submitter. Criteria: ACMG Guidelines, 2015. Collection method: clinical testing. Allele origin: germline.
Comment: This variant is classified as likely benign based on ACMG/AMP sequence variant interpretation guidelines (Richards et al. 2015 PMID: 25741868, with internal and published modifications).

Labcorp Genetics (formerly Invitae), Labcorp
Classification: Likely benign for Neuronopathy, distal hereditary motor, autosomal recessive 4; Charcot-Marie-Tooth disease recessive intermediate C. Last evaluated: 2026-01-12. Review status: criteria provided, single submitter. Criteria: Invitae Variant Classification Sherloc (09022015). Collection method: clinical testing. Allele origin: germline.

Mayo Clinic Laboratories, Mayo Clinic
Classification: Likely benign. Last evaluated: 2025-10-22. Review status: criteria provided, single submitter. Criteria: ACMG Guidelines, 2015. Collection method: clinical testing. Allele origin: germline. Observed: 2 variant alleles.
Comment: BS1, BP4_moderate

ARUP Laboratories, Molecular Genetics and Genomics, ARUP Laboratories
Classification: Likely benign. Last evaluated: 2024-04-16. Review status: criteria provided, single submitter. Criteria: ARUP Molecular Germline Variant Investigation Process 2024. Collection method: clinical testing. Allele origin: germline.

Illumina Laboratory Services, Illumina
Classification: Likely benign for Neuronopathy, distal hereditary motor, autosomal recessive 4. Last evaluated: 2018-01-12. Review status: criteria provided, single submitter. Criteria: ICSL Variant Classification Criteria 13 December 2019. Collection method: clinical testing. Allele origin: germline.
Comment: This variant was observed in the ICSL laboratory as part of a predisposition screen in an ostensibly healthy population. It had not been previously curated by ICSL or reported in the Human Gene Mutation Database (HGMD: prior to June 1st, 2018), and was therefore a candidate for classification through an automated scoring system. Utilizing variant allele frequency, disease prevalence and penetrance estimates, and inheritance mode, an automated score was calculated to assess if this variant is too frequent to cause the disease. Based on the score and internal cut-off values, a variant classified as likely benign is not then subjected to further curation. The score for this variant resulted in a classification of likely benign for this disease.

GeneDx
Classification: Likely benign. Last evaluated: 2017-03-20. Review status: criteria provided, single submitter. Criteria: GeneDx Variant Classification (06012015). Collection method: clinical testing. Allele origin: germline. Affected: yes.
Comment: This variant is considered likely benign or benign based on one or more of the following criteria: it is a conservative change, it occurs at a poorly conserved position in the protein, it is predicted to be benign by multiple in silico algorithms, and/or has population frequency not consistent with disease.